The following is an entry in ClinVar:

NM_004629.2(FANCG):c.182del (p.Pro61fs)

Gene: FANCG (FA complementation group G; minus strand). Cytogenetic location: 9p13.3.
Variant type: Deletion.
Coding change: c.182del on transcript NM_004629.2 (MANE Select); coding-DNA position 182, one base deleted (C; older notation c.182delC).
Protein change: p.Pro61fs; shifts the reading frame from proline 61.
Molecular consequence: frameshift variant.
Genome position (GRCh38, 1-based): chr9:35,078,730, G deleted on the plus strand (C on the coding strand, the reverse complement: FANCG is on the minus strand); the first of 3 consecutive G bases (chr9:35,078,730-35,078,732); deleting any one gives the same sequence. VCF-style (leftmost placement, unchanged base first): chr9-35078729-AG-A. GRCh37 (hg19) VCF-style: chr9-35078726-AG-A.
Other names: short protein forms P61fs.
Identifiers: ClinVar variation 2162333 (VCV002162333.4), dbSNP rs2490409056, ClinGen allele CA2580080505.
Genomic context (GRCh38, chr9:35,078,729, plus strand): 5'-CCTCAGGATAATGAAGTTGCAGGTGACAGTCAGCTCCAAGGGAAGAACAGGAACAGCTGC[AG>A]GGAGCCCTGGAGCAACAATGTTGGTCTTACAGACTGCTCCCCCATGGAAGATCCTCCAAA-3'

ClinVar aggregate classification (germline): Pathogenic (1 of 4 stars; one submission).

Conditions:
Fanconi anemia (FA). Also called: Fanconi's anemia. Identifiers: Orphanet 84, MedGen C0015625, MeSH D005199, MONDO:0019391.

Submission:

Labcorp Genetics (formerly Invitae), Labcorp
Classification: Pathogenic for Fanconi anemia. Last evaluated: 2023-08-21. Review status: criteria provided, single submitter. Criteria: Invitae Variant Classification Sherloc (09022015). Collection method: clinical testing. Allele origin: germline.
Comment: This sequence change creates a premature translational stop signal (p.Pro61Leufs*11) in the FANCG gene. It is expected to result in an absent or disrupted protein product. Loss-of-function variants in FANCG are known to be pathogenic (PMID: 12552564). This variant is not present in population databases (gnomAD no frequency). This variant has not been reported in the literature in individuals affected with FANCG-related conditions. ClinVar contains an entry for this variant (Variation ID: 2162333). For these reasons, this variant has been classified as Pathogenic.

Literature cited by the submitters: PubMed 12552564.